The following is an entry in ClinVar:

ClinVar aggregate classification (germline): Likely benign (1 of 4 stars; one submission).

Conditions:
Familial adenomatous polyposis 1 (FAP1). Also called: POLYPOSIS, ADENOMATOUS INTESTINAL; FAMILIAL ADENOMATOUS POLYPOSIS 1, ATTENUATED. Identifiers: MedGen C2713442, MONDO:0021056, OMIM 175100. Disease mechanism: loss of function.

Submission:

Myriad Genetics, Inc.
Classification: Likely benign for Familial adenomatous polyposis 1. Last evaluated: 2024-02-26. Review status: criteria provided, single submitter. Criteria: Myriad Autosomal Dominant, Autosomal Recessive and X-Linked Classification Criteria (2023). Collection method: clinical testing. Allele origin: unknown.
Comment: This variant is considered likely benign. This variant is intronic and is not expected to impact mRNA splicing.

NM_000038.6(APC):c.730-14C>T

Gene: APC (APC regulator of Wnt signaling pathway; plus strand). Cytogenetic location: 5q22.2.
Variant type: single nucleotide variant.
Coding change: c.730-14C>T on transcript NM_000038.6 (MANE Select); 14 bases into the intron before coding-DNA position 730, C replaced by T.
Molecular consequence: intron variant.
Genome position (GRCh38, 1-based): chr5:112,801,265, C>T. VCF-style: chr5-112801265-C-T. GRCh37 (hg19) VCF-style: chr5-112136962-C-T.
Other names: c.-306-14C>T (NM_001407470.1, NM_001407472.1, NM_001354906.2 and 1 more transcripts); c.730-14C>T (NM_001407447.1, NM_001354895.2, NM_001407456.1 and 12 more transcripts); c.646-14C>T (NM_001407452.1, NM_001407469.1, NM_001354899.2 and 1 more transcripts); c.760-14C>T (NM_001407446.1, NM_001354897.2, NM_001354902.2); c.676-14C>T (NM_001127511.3); c.553-14C>T (NM_001407453.1, NM_001354900.2, NM_001354901.2 and 1 more transcripts); c.655-14C>T (NM_001407451.1, NM_001354898.2, NM_001354904.2).
Identifiers: ClinVar variation 3148218 (VCV003148218.1), dbSNP rs2149711192, ClinGen allele CA2709981256.